The following is an entry in ClinVar:

NM_024675.4(PALB2):c.2997A>T (p.Gly999=)

Gene: PALB2 (partner and localizer of BRCA2; minus strand). Cytogenetic location: 16p12.2.
Variant type: single nucleotide variant.
Coding change: c.2997A>T on transcript NM_024675.4 (MANE Select); coding-DNA position 2997, A replaced by T.
Protein change: p.Gly999=; no amino-acid change (glycine 999 retained).
Molecular consequence: synonymous variant.
Genome position (GRCh38, 1-based): chr16:23,621,478, T>A on the plus strand (A>T on the coding strand, the complement: PALB2 is on the minus strand). VCF-style: chr16-23621478-T-A. GRCh37 (hg19) VCF-style: chr16-23632799-T-A.
Identifiers: ClinVar variation 830184 (VCV000830184.1), dbSNP rs1966773406, ClinGen allele CA494180203.
Genomic context (GRCh38, chr16:23,621,478, plus strand): 5'-GACCTCAGCAAAAGTTAGTATAGTCTCCTCAGGGGGCATCAAAAATTGGTTTTCTTTGCC[T>A]CTGTAATTAAAACAGTATGAAAAGTCAGTACTTTGCACTAAAGCAGTCTCTAGGTAGCCC-3'
Protein context (NP_078951.2, residues 989-1009): VEVMTFAEDG[Gly999=]GKENQFLMPP

ClinVar aggregate classification (germline): Uncertain significance (0 of 4 stars; one submission).

Submission:

Leiden Open Variation Database
Classification: Uncertain significance. Last evaluated: 2018-10-10. Review status: no assertion criteria provided. Collection method: curation. Allele origin: germline. Affected: yes.
Comment: Curators: Marc Tischkowitz, Arleen D. Auerbach. Submitter to LOVD: Yukihide Momozawa.

Literature cited by the submitters: PubMed 30287823.